The following is an entry in ClinVar:

ClinVar aggregate classification (germline): Uncertain significance. Review status: criteria provided, multiple submitters, no conflicts (2 of 4 stars). 2 submissions from 2 submitters: Uncertain significance (2). Last evaluated 2025-05-13.

Allele frequency attached by ClinVar (database versions not stated): gnomAD 0.00003; gnomAD exomes 0.00003; TOPMed 0.00009; ExAC 0.00014.
gnomAD v4.1: 46 of 1,613,172 alleles (0.0029%); highest among the groups gnomAD compares: Admixed American, 0.072%; no homozygotes.

Submissions (2):

Labcorp Genetics (formerly Invitae), Labcorp
Classification: Uncertain significance. Last evaluated: 2025-05-13. Review status: criteria provided, single submitter. Criteria: Invitae Variant Classification Sherloc (09022015). Collection method: clinical testing. Allele origin: germline.
Comment: This sequence change replaces arginine, which is basic and polar, with glutamine, which is neutral and polar, at codon 455 of the ZNF687 protein (p.Arg455Gln). This variant is present in population databases (rs755339101, gnomAD 0.1%), and has an allele count higher than expected for a pathogenic variant. This variant has not been reported in the literature in individuals affected with ZNF687-related conditions. ClinVar contains an entry for this variant (Variation ID: 2045775). An algorithm developed to predict the effect of missense changes on protein structure and function (PolyPhen-2) suggests that this variant is likely to be tolerated. In summary, the available evidence is currently insufficient to determine the role of this variant in disease. Therefore, it has been classified as a Variant of Uncertain Significance.

Ambry Genetics
Classification: Uncertain significance. Last evaluated: 2024-12-04. Review status: criteria provided, single submitter. Criteria: Ambry Variant Classification Scheme 2023. Collection method: clinical testing. Allele origin: germline.

NM_020832.3(ZNF687):c.1364G>A (p.Arg455Gln)

Gene: ZNF687 (zinc finger protein 687; plus strand). Cytogenetic location: 1q21.3.
Variant type: single nucleotide variant.
Coding change: c.1364G>A on transcript NM_020832.3 (MANE Select); coding-DNA position 1364, G replaced by A.
Protein change: p.Arg455Gln; replaces arginine 455 with glutamine.
Molecular consequence: missense variant.
Genome position (GRCh38, 1-based): chr1:151,287,655, G>A. VCF-style: chr1-151287655-G-A. GRCh37 (hg19) VCF-style: chr1-151260131-G-A.
Other names: c.1364G>A, p.Arg455Gln (NM_001304763.2, NM_001304764.2); c.1364G>A (NM_020832.1); short protein forms R455Q.
Identifiers: ClinVar variation 2045775 (VCV002045775.5), dbSNP rs755339101, ClinGen allele CA1088322.